The following is an entry in ClinVar:

NM_006944.3(SPP2):c.59T>A (p.Leu20His)

Gene: SPP2 (secreted phosphoprotein 2; plus strand). Cytogenetic location: 2q37.1.
Variant type: single nucleotide variant.
Coding change: c.59T>A on transcript NM_006944.3 (MANE Select); coding-DNA position 59, T replaced by A.
Protein change: p.Leu20His; replaces leucine 20 with histidine.
Molecular consequence: missense variant.
Genome position (GRCh38, 1-based): chr2:234,050,845, T>A. VCF-style: chr2-234050845-T-A. GRCh37 (hg19) VCF-style: chr2-234959489-T-A.
Other names: short protein forms L20H.
Identifiers: ClinVar variation 2819076 (VCV002819076.3), dbSNP rs2470229677, ClinGen allele CA351098566.

ClinVar aggregate classification (germline): Uncertain significance (1 of 4 stars; one submission).

Submission:

Labcorp Genetics (formerly Invitae), Labcorp
Classification: Uncertain significance. Last evaluated: 2022-12-07. Review status: criteria provided, single submitter. Criteria: Invitae Variant Classification Sherloc (09022015). Collection method: clinical testing. Allele origin: germline.
Comment: This sequence change replaces leucine, which is neutral and non-polar, with histidine, which is basic and polar, at codon 20 of the SPP2 protein (p.Leu20His). This variant is not present in population databases (gnomAD no frequency). In summary, the available evidence is currently insufficient to determine the role of this variant in disease. Therefore, it has been classified as a Variant of Uncertain Significance. Algorithms developed to predict the effect of missense changes on protein structure and function (SIFT, PolyPhen-2, Align-GVGD) all suggest that this variant is likely to be disruptive. This variant has not been reported in the literature in individuals affected with SPP2-related conditions.